The following is an entry in ClinVar:

NM_022124.6(CDH23):c.7806C>T (p.Ile2602=)

Gene: CDH23 (cadherin related 23; plus strand). Cytogenetic location: 10q22.1.
Variant type: single nucleotide variant.
Coding change: c.7806C>T on transcript NM_022124.6 (MANE Select); coding-DNA position 7806, C replaced by T.
Protein change: p.Ile2602=; no amino-acid change (isoleucine 2602 retained).
Molecular consequence: synonymous variant.
Genome position (GRCh38, 1-based): chr10:71,803,354, C>T. VCF-style: chr10-71803354-C-T. GRCh37 (hg19) VCF-style: chr10-73563111-C-T.
Other names: c.1086C>T, p.Ile362= (NM_001171933.1, NM_001171934.1).
Identifiers: ClinVar variation 506221 (VCV000506221.12), dbSNP rs1554876358, ClinGen allele CA470062901.

ClinVar aggregate classification (germline): Likely benign. Review status: criteria provided, multiple submitters, no conflicts (2 of 4 stars). 3 submissions from 3 submitters: Likely benign (3). Last evaluated 2024-11-22.

Allele frequency attached by ClinVar (database versions not stated): TOPMed below 0.00001.

Submissions (3):

Blueprint Genetics
Classification: Likely benign. Last evaluated: 2024-11-22. Review status: criteria provided, single submitter. Criteria: ACMG Guidelines, 2015. Collection method: clinical testing. Allele origin: germline.

Labcorp Genetics (formerly Invitae), Labcorp
Classification: Likely benign. Last evaluated: 2023-02-14. Review status: criteria provided, single submitter. Criteria: Invitae Variant Classification Sherloc (09022015). Collection method: clinical testing. Allele origin: germline.

Laboratory for Molecular Medicine, Mass General Brigham Personalized Medicine
Classification: Likely benign. Last evaluated: 2017-12-05. Review status: criteria provided, single submitter. Criteria: LMM Criteria. Collection method: clinical testing. Allele origin: germline. Observed: 1 variant allele.
Comment: p.Ile2602Ile in exon 55 of CDH23: This variant is not expected to have clinical significance because it does not alter an amino acid residue, it is not located within the splice consensus sequence, and it is not predicted to impact splicing . ACMG/AMP Criteria applied: BP4, BP7.